The following is an entry in ClinVar:

NM_000501.4(ELN):c.133+5C>T

Gene: ELN (elastin; plus strand). Cytogenetic location: 7q11.23.
Variant type: single nucleotide variant.
Coding change: c.133+5C>T on transcript NM_000501.4 (MANE Select); 5 bases into the intron after coding-DNA position 133, C replaced by T.
Molecular consequence: intron variant.
Genome position (GRCh38, 1-based): chr7:74,035,419, C>T. VCF-style: chr7-74035419-C-T. GRCh37 (hg19) VCF-style: chr7-73449749-C-T.
Other names: c.133+5C>T (NM_001081754.3, NM_001081753.3, NM_001278939.2 and 9 more transcripts).
Identifiers: ClinVar variation 513909 (VCV000513909.7), dbSNP rs375144839, ClinGen allele CA4292266.

ClinVar aggregate classification (germline): Conflicting classifications of pathogenicity. Review status: criteria provided, conflicting classifications (1 of 4 stars). 3 submissions from 3 submitters: Uncertain significance (1); Likely benign (2). Last evaluated 2026-05-27.

Conditions:
Supravalvar aortic stenosis (SVAS). Also called: Supravalvar aortic stenosis, Eisenberg type. Identifiers: Orphanet 3193, MedGen C0003499, MONDO:0008504, OMIM 185500, HP:0004381.
Cutis laxa, autosomal dominant 1 (ADCL1). Also called: ELN-Related Cutis Laxa. Identifiers: Orphanet 90348, MedGen C3276539, MONDO:0007411, OMIM 123700. Disease mechanism: Dominant Negative.

Allele frequency attached by ClinVar (database versions not stated): TOPMed 0.00002; gnomAD 0.00001; ExAC 0.00002; ESP Exome Variant Server 0.00008; gnomAD exomes 0.00002.
gnomAD v4.1: 13 of 1,613,964 alleles (0.00081%); highest among the groups gnomAD compares: East Asian, 0.013%; no homozygotes.

Submissions (3):

Praxis Für Humangenetik, Biosciencia MVZ Labor Saar
Classification: Likely benign for Cutis laxa, autosomal dominant 1. Last evaluated: 2026-05-27. Review status: criteria provided, single submitter. Criteria: ACMG Guidelines, 2015. Collection method: clinical testing. Allele origin: germline.

Labcorp Genetics (formerly Invitae), Labcorp
Classification: Uncertain significance for Supravalvar aortic stenosis. Last evaluated: 2022-07-26. Review status: criteria provided, single submitter. Criteria: Invitae Variant Classification Sherloc (09022015). Collection method: clinical testing. Allele origin: germline.
Comment: This sequence change falls in intron 2 of the ELN gene. It does not directly change the encoded amino acid sequence of the ELN protein. It affects a nucleotide within the consensus splice site. This variant is present in population databases (rs375144839, gnomAD 0.03%). This variant has not been reported in the literature in individuals affected with ELN-related conditions. ClinVar contains an entry for this variant (Variation ID: 513909). Variants that disrupt the consensus splice site are a relatively common cause of aberrant splicing (PMID: 17576681, 9536098). Algorithms developed to predict the effect of sequence changes on RNA splicing suggest that this variant is not likely to affect RNA splicing. In summary, the available evidence is currently insufficient to determine the role of this variant in disease. Therefore, it has been classified as a Variant of Uncertain Significance.

GeneDx
Classification: Likely benign. Last evaluated: 2017-12-06. Review status: criteria provided, single submitter. Criteria: GeneDx Variant Classification (06012015). Collection method: clinical testing. Allele origin: germline. Affected: yes.
Comment: This variant is considered likely benign or benign based on one or more of the following criteria: it is a conservative change, it occurs at a poorly conserved position in the protein, it is predicted to be benign by multiple in silico algorithms, and/or has population frequency not consistent with disease.

Literature cited by the submitters: PubMed 17576681 (cited by Labcorp Genetics (formerly Invitae), Labcorp); PubMed 9536098 (cited by Labcorp Genetics (formerly Invitae), Labcorp).